The following is an entry in ClinVar:

ClinVar aggregate classification (germline): Uncertain significance (1 of 4 stars; one submission).

Conditions:
Hereditary sensory and autonomic neuropathy with spastic paraplegia (HSNSP). Identifiers: Orphanet 139578, MedGen C1850395, MONDO:0009748, OMIM 256840.

gnomAD v4.1: 2 of 1,614,066 alleles (0.00012%); highest among the groups gnomAD compares: African/African-American, 0.0013%; no homozygotes.

Submission:

Labcorp Genetics (formerly Invitae), Labcorp
Classification: Uncertain significance for Hereditary sensory and autonomic neuropathy with spastic paraplegia. Last evaluated: 2023-06-29. Review status: criteria provided, single submitter. Criteria: Invitae Variant Classification Sherloc (09022015). Collection method: clinical testing. Allele origin: germline.
Comment: In summary, the available evidence is currently insufficient to determine the role of this variant in disease. Therefore, it has been classified as a Variant of Uncertain Significance. Advanced modeling of protein sequence and biophysical properties (such as structural, functional, and spatial information, amino acid conservation, physicochemical variation, residue mobility, and thermodynamic stability) performed at Invitae indicates that this missense variant is expected to disrupt CCT5 protein function. This variant has not been reported in the literature in individuals affected with CCT5-related conditions. This variant is not present in population databases (gnomAD no frequency). This sequence change replaces arginine, which is basic and polar, with glutamine, which is neutral and polar, at codon 400 of the CCT5 protein (p.Arg400Gln).

NM_012073.5(CCT5):c.1199G>A (p.Arg400Gln)

Gene: CCT5 (chaperonin containing TCP1 subunit 5; plus strand). Cytogenetic location: 5p15.2.
Variant type: single nucleotide variant.
Coding change: c.1199G>A on transcript NM_012073.5 (MANE Select); coding-DNA position 1199, G replaced by A.
Protein change: p.Arg400Gln; replaces arginine 400 with glutamine.
Molecular consequence: missense variant.
Genome position (GRCh38, 1-based): chr5:10,262,500, G>A. VCF-style: chr5-10262500-G-A. GRCh37 (hg19) VCF-style: chr5-10262612-G-A.
Other names: c.1136G>A, p.Arg379Gln (NM_001306153.1); c.1034G>A, p.Arg345Gln (NM_001306154.2); c.920G>A, p.Arg307Gln (NM_001306155.2); c.1085G>A, p.Arg362Gln (NM_001306156.2); short protein forms R307Q, R345Q, R400Q, R379Q, R362Q.
Identifiers: ClinVar variation 2899683 (VCV002899683.3), dbSNP rs749310473, ClinGen allele CA359185787.